The following is an entry in ClinVar:

NM_001374828.1(ARID1B):c.6171C>T (p.Ile2057=)

Gene: ARID1B (AT-rich interaction domain 1B; plus strand). Cytogenetic location: 6q25.3.
Variant type: single nucleotide variant.
Coding change: c.6171C>T on transcript NM_001374828.1 (MANE Select); coding-DNA position 6171, C replaced by T.
Protein change: p.Ile2057=; no amino-acid change (isoleucine 2057 retained).
Molecular consequence: synonymous variant.
Genome position (GRCh38, 1-based): chr6:157,206,943, C>T. VCF-style: chr6-157206943-C-T. GRCh37 (hg19) VCF-style: chr6-157528077-C-T.
Other names: c.5802C>T, p.Ile1934= (NM_020732.3); c.3672C>T, p.Ile1224= (NM_001363725.2); c.6051C>T, p.Ile2017= (NM_001371656.1, NM_001374820.1); c.6012C>T, p.Ile2004= (NM_017519.3).
Identifiers: ClinVar variation 210304 (VCV000210304.57), dbSNP rs142499766, ClinGen allele CA205506.

ClinVar aggregate classification (germline): Benign/Likely benign. Review status: criteria provided, multiple submitters, no conflicts (2 of 4 stars). 8 submissions from 8 submitters: Benign (4); Likely benign (3). 1 of the submissions does not count toward it. Last evaluated 2026-08-01.

Conditions:
ARID1B-Related Disorder. Identifiers: MedGen CN381337.
Inborn genetic diseases. Identifiers: MedGen C0950123, MeSH D030342.
Coffin-Siris syndrome 1 (CSS1). Also called: ARID1B-Related Coffin-Siris Syndrome; Mental retardation, autosomal dominant 12. Identifiers: Orphanet 1465, MedGen C3281201, MONDO:0007617, OMIM 135900. Disease mechanism: gain of function.

Allele frequency attached by ClinVar (database versions not stated): 1000 Genomes Project 30x 0.00094; 1000 Genomes Project 0.00120; TOPMed 0.00140; ESP Exome Variant Server 0.00215; gnomAD exomes 0.00219 and 0.00308; gnomAD 0.00253 and 0.00260; ExAC 0.00360.
gnomAD v4.1: 3,561 of 1,614,160 alleles (0.22%); highest among the groups gnomAD compares: Non-Finnish European, 0.21%; 13 homozygotes.

Submissions (8):

CeGaT Center for Human Genetics Tuebingen
Classification: Likely benign. Last evaluated: 2026-08-01. Review status: criteria provided, single submitter. Criteria: CeGaT Center For Human Genetics Tuebingen Variant Classification Criteria Version 2. Collection method: clinical testing. Allele origin: germline. Affected: yes. Observed: 17 variant alleles.
Comment: ARID1B: BP4, BP7, BS1

Labcorp Genetics (formerly Invitae), Labcorp
Classification: Benign. Last evaluated: 2025-12-16. Review status: criteria provided, single submitter. Criteria: Invitae Variant Classification Sherloc (09022015). Collection method: clinical testing. Allele origin: germline.

Genome-Nilou Lab
Classification: Benign for Coffin-Siris syndrome 1. Last evaluated: 2021-07-15. Review status: criteria provided, single submitter. Criteria: ACMG Guidelines, 2015. Collection method: clinical testing. Allele origin: germline. Affected: no.

GeneDx
Classification: Benign. Last evaluated: 2019-02-06. Review status: criteria provided, single submitter. Criteria: GeneDx Variant Classification Process June 2021. Collection method: clinical testing. Allele origin: germline. Affected: yes.

Genetic Services Laboratory, University of Chicago
Classification: Benign. Last evaluated: 2018-05-01. Review status: criteria provided, single submitter. Criteria: ACMG Guidelines, 2015. Collection method: clinical testing. Allele origin: germline. Affected: no.

Ambry Genetics
Classification: Likely benign for Inborn genetic diseases. Last evaluated: 2016-03-23. Review status: criteria provided, single submitter. Criteria: Ambry Variant Classification Scheme 2023. Collection method: clinical testing. Allele origin: germline.

Breakthrough Genomics
Classification: Likely benign. Review status: criteria provided, single submitter. Criteria: ACMG Guidelines, 2015. Collection method: not provided. Allele origin: germline. Inheritance: Autosomal dominant inheritance. Affected: yes.

PreventionGenetics, part of Exact Sciences
Classification: Benign for ARID1B-related condition. Last evaluated: 2019-09-23. Review status: no assertion criteria provided. Collection method: clinical testing. Allele origin: germline. Not counted in ClinVar's aggregate classification.
Comment: This variant is classified as benign based on ACMG/AMP sequence variant interpretation guidelines (Richards et al. 2015 PMID: 25741868, with internal and published modifications).